The following is an entry in ClinVar:

NM_001112741.2(KCNC1):c.308C>T (p.Pro103Leu)

Gene: KCNC1 (potassium voltage-gated channel subfamily C member 1; plus strand). Cytogenetic location: 11p15.1.
Variant type: single nucleotide variant.
Coding change: c.308C>T on transcript NM_001112741.2 (MANE Select); coding-DNA position 308, C replaced by T.
Protein change: p.Pro103Leu; replaces proline 103 with leucine.
Molecular consequence: missense variant.
Genome position (GRCh38, 1-based): chr11:17,736,310, C>T. VCF-style: chr11-17736310-C-T. GRCh37 (hg19) VCF-style: chr11-17757857-C-T.
Other names: c.308C>T, p.Pro103Leu (NM_004976.4); short protein forms P103L.
Identifiers: ClinVar variation 4536521 (VCV004536521.1).

ClinVar aggregate classification (germline): Uncertain significance (1 of 4 stars; one submission).

Submission:

GeneDx
Classification: Uncertain significance. Last evaluated: 2025-06-05. Review status: criteria provided, single submitter. Criteria: GeneDx Variant Classification Process June 2021. Collection method: clinical testing. Allele origin: germline. Affected: yes.
Comment: Not observed at significant frequency in large population cohorts (gnomAD); In silico analysis supports that this missense variant has a deleterious effect on protein structure/function; Has not been previously published as pathogenic or benign to our knowledge